The following is an entry in ClinVar:

NM_170707.4(LMNA):c.1608+2T>G

Gene: LMNA (lamin A/C; plus strand). Cytogenetic location: 1q22.
Variant type: single nucleotide variant.
Coding change: c.1608+2T>G on transcript NM_170707.4 (MANE Select); the canonical splice donor site of the intron after coding-DNA position 1608, T replaced by G.
Molecular consequence: splice donor variant.
Genome position (GRCh38, 1-based): chr1:156,137,234, T>G. VCF-style: chr1-156137234-T-G. GRCh37 (hg19) VCF-style: chr1-156107025-T-G.
Other names: c.1608+2T>G (NM_001406983.1, NM_001282625.2, NM_001406984.1 and 6 more transcripts); c.1050+2T>G (NM_001407002.1, NM_001406993.1, NM_001407003.1 and 4 more transcripts); c.984+2T>G (NM_001406999.1, NM_001407000.1, NM_001406994.1 and 1 more transcripts); c.1365+2T>G (NM_001406986.1, NM_001406987.1, NM_001282624.2); c.1272+2T>G (NM_001406989.1, NM_001257374.3, NM_001406998.1); c.1311+2T>G (NM_001406988.1).
Identifiers: ClinVar variation 1075208 (VCV001075208.11), dbSNP rs2102896324, ClinGen allele CA342823673.

ClinVar aggregate classification (germline): Pathogenic/Likely pathogenic. Review status: criteria provided, multiple submitters, no conflicts (2 of 4 stars). 2 submissions from 2 submitters: Pathogenic (1); Likely pathogenic (1). Last evaluated 2020-12-02.

Conditions:
Cardiovascular phenotype. Identifiers: MedGen CN230736.
Charcot-Marie-Tooth disease type 2. Also called: Charcot-Marie-Tooth type 2. Identifiers: Orphanet 64746, MedGen C0270914, MONDO:0018993.

Submissions (2):

Ambry Genetics
Classification: Likely pathogenic for Cardiovascular phenotype. Last evaluated: 2020-12-02. Review status: criteria provided, single submitter. Criteria: Ambry Variant Classification Scheme 2023. Collection method: clinical testing. Allele origin: germline.
Comment: The c.1608+2T>G intronic variant results from a T to G substitution two nucleotides after coding exon 9 in the LMNA gene. This variant was not reported in population-based cohorts in the Genome Aggregation Database (gnomAD). This nucleotide position is highly conserved in available vertebrate species. In silico splice site analysis predicts that this alteration will weaken the native splice donor site and will result in the creation or strengthening of a novel splice donor site. Alterations that disrupt the canonical splice site are expected to cause aberrant splicing, resulting in an abnormal protein or a transcript that is subject to nonsense-mediated mRNA decay. As such, this alteration is classified as likely pathogenic.

Labcorp Genetics (formerly Invitae), Labcorp
Classification: Pathogenic for Charcot-Marie-Tooth disease type 2. Last evaluated: 2020-10-08. Review status: criteria provided, single submitter. Criteria: Invitae Variant Classification Sherloc (09022015). Collection method: clinical testing. Allele origin: germline.
Comment: For these reasons, this variant has been classified as Pathogenic. Donor and acceptor splice site variants typically lead to a loss of protein function (PMID: 16199547), and loss-of-function variants in LMNA are known to be pathogenic (PMID: 18585512, 18926329). Algorithms developed to predict the effect of sequence changes on RNA splicing suggest that this variant may disrupt the consensus splice site, but this prediction has not been confirmed by published transcriptional studies. Disruption of this splice site has been observed in individual(s) with clinical features of dilated cardiomyopathy (PMID: 24915601, Invitae). This variant is not present in population databases (ExAC no frequency). This sequence change affects a donor splice site in intron 9 of the LMNA gene. It is expected to disrupt RNA splicing and likely results in an absent or disrupted protein product.

Literature cited by the submitters: PubMed 16199547 (cited by Labcorp Genetics (formerly Invitae), Labcorp); PubMed 18585512 (cited by Labcorp Genetics (formerly Invitae), Labcorp); PubMed 18926329 (cited by Labcorp Genetics (formerly Invitae), Labcorp); PubMed 24915601 (cited by Labcorp Genetics (formerly Invitae), Labcorp).